The following is an entry in ClinVar:

NM_001035.3(RYR2):c.8378G>A (p.Arg2793Gln)

Gene: RYR2 (ryanodine receptor 2; plus strand). Cytogenetic location: 1q43.
Variant type: single nucleotide variant.
Coding change: c.8378G>A on transcript NM_001035.3 (MANE Select); coding-DNA position 8378, G replaced by A.
Protein change: p.Arg2793Gln; replaces arginine 2793 with glutamine.
Molecular consequence: missense variant.
Genome position (GRCh38, 1-based): chr1:237,660,889, G>A. VCF-style: chr1-237660889-G-A. GRCh37 (hg19) VCF-style: chr1-237824189-G-A.
Other names: p.R2793Q:CGG>CAG; c.8378G>A, p.Arg2793Gln (LRG_402t1); short protein forms R2793Q.
Identifiers: ClinVar variation 201391 (VCV000201391.22), dbSNP rs559773178, ClinGen allele CA010968.

ClinVar aggregate classification (germline): Conflicting classifications of pathogenicity. Review status: criteria provided, conflicting classifications (1 of 4 stars). 7 submissions from 7 submitters: Uncertain significance (3); Likely benign (3). 1 of the submissions does not count toward it. Last evaluated 2025-11-24.

Conditions:
Cardiovascular phenotype. Identifiers: MedGen CN230736.
RYR2-related disorder. Also called: RYR2-related condition.
Catecholaminergic polymorphic ventricular tachycardia (CVPT). Also called: Catecholamine-induced polymorphic ventricular tachycardia. Identifiers: Orphanet 3286, MedGen C5574922, MONDO:0017990.
Cardiomyopathy (CMYO). Also called: Cardiomyopathies. Identifiers: Orphanet 167848, MedGen C0878544, MONDO:0004994, HP:0001638. Inheritance: Various modes of inheritance.
Catecholaminergic polymorphic ventricular tachycardia 1. Also called: RYR2-Related Catecholaminergic Polymorphic Ventricular Tachycardia; VENTRICULAR TACHYCARDIA, CATECHOLAMINERGIC POLYMORPHIC, 1, WITH OR WITHOUT ATRIAL DYSFUNCTION AND/OR DILATED CARDIOMYOPATHY; VENTRICULAR TACHYCARDIA, STRESS-INDUCED POLYMORPHIC 1. Identifiers: Orphanet 3286, MedGen C1631597, MONDO:0011484, OMIM 604772.

Allele frequency attached by ClinVar (database versions not stated): gnomAD exomes 0.00002 and 0.00003; ExAC 0.00005; gnomAD 0.00013 and 0.00014; 1000 Genomes Project 30x 0.00016; TOPMed 0.00016; 1000 Genomes Project 0.00020.
gnomAD v4.1: 53 of 1,537,830 alleles (0.0034%); highest among the groups gnomAD compares: African/African-American, 0.048%; no homozygotes.

Submissions (7):

Labcorp Genetics (formerly Invitae), Labcorp
Classification: Likely benign for Catecholaminergic polymorphic ventricular tachycardia 1. Last evaluated: 2025-11-24. Review status: criteria provided, single submitter. Criteria: Invitae Variant Classification Sherloc (09022015). Collection method: clinical testing. Allele origin: germline.

Molecular Diagnostic Laboratory for Inherited Cardiovascular Disease, Montreal Heart Institute
Classification: Uncertain significance for Cardiovascular phenotype. Last evaluated: 2025-04-09. Review status: criteria provided, single submitter. Criteria: ACMG Guidelines, 2015. Collection method: clinical testing. Allele origin: germline. Affected: yes.
Comment: PP2, BS1

Color Diagnostics, LLC DBA Color Health
Classification: Likely benign for Cardiomyopathy. Last evaluated: 2024-07-17. Review status: criteria provided, single submitter. Criteria: ACMG Guidelines, 2015. Collection method: clinical testing. Allele origin: germline.

All of Us Research Program, National Institutes of Health
Classification: Uncertain significance for Catecholaminergic polymorphic ventricular tachycardia. Last evaluated: 2024-02-05. Review status: criteria provided, single submitter. Criteria: ACMG Guidelines, 2015. Collection method: clinical testing. Allele origin: germline. Inheritance: Autosomal dominant inheritance. Observed: 10 variant alleles, 10 heterozygotes.
Comment: This missense variant replaces arginine with glutamine at codon 2793 of the RYR2 protein. Computational prediction suggests that this variant may not impact protein structure and function (internally defined REVEL score threshold <= 0.5, PMID: 27666373). To our knowledge, functional studies have not been reported for this variant. This variant has not been reported in individuals affected with RYR2-related disorders in the literature. This variant has been identified in 5/153128 chromosomes in the general population by the Genome Aggregation Database (gnomAD). The available evidence is insufficient to determine the role of this variant in disease conclusively. Therefore, this variant is classified as a Variant of Uncertain Significance.

This study involves interpretation of variants in research participants for the purpose of population health screening. Participant phenotype was not available at the time of variant classification. Additional details can be found in publication PMID: 35346344, PMCID: PMC8962531

Ambry Genetics
Classification: Likely benign for Cardiovascular phenotype. Last evaluated: 2023-12-12. Review status: criteria provided, single submitter. Criteria: Ambry Variant Classification Scheme 2023. Collection method: clinical testing. Allele origin: germline.

GeneDx
Classification: Uncertain significance. Last evaluated: 2014-09-18. Review status: criteria provided, single submitter. Criteria: GeneDx Variant Classification (06012015). Collection method: clinical testing. Allele origin: germline. Affected: yes.
Comment: p.Arg2793Gln (CGG>CAG): c.8378 G>A in exon 56 of the RYR2 gene (NM_001035.2). The R2793Q variant has not been published as a mutation, nor has it been reported as a benign polymorphism to our knowledge. The R2793Q variant was not observed in approximately 4,600 individuals of European and African American ancestry in the NHLBI Exome Sequencing Project, indicating it is not a common benign variant in these populations. The R2793Q variant is a semi-conservative amino acid substitution, which may impact secondary protein structure as these residues differ in some properties. This substitution occurs at a position that is conserved within mammals. In silico analysis is inconsistent in its predictions as to whether or not the variant is damaging to the protein structure/function. However, missense mutations in nearby residues have not been reported, indicating this region of the protein may tolerate change. Therefore, based on the currently available information, it is unclear whether this variant is a pathogenic mutation or a rare benign variant. The variant is found in CARDIOMYOPATHY, ARRHYTHMIA panel(s).

PreventionGenetics, part of Exact Sciences
Classification: Likely benign for RYR2-related condition. Last evaluated: 2023-05-26. Review status: no assertion criteria provided. Collection method: clinical testing. Allele origin: germline. Not counted in ClinVar's aggregate classification.
Comment: This variant is classified as likely benign based on ACMG/AMP sequence variant interpretation guidelines (Richards et al. 2015 PMID: 25741868, with internal and published modifications).

Literature cited by the submitters: PubMed 28404607 (cited by Ambry Genetics).